The following is an entry in ClinVar:

NM_001042492.3(NF1):c.5958A>G (p.Lys1986=)

Gene: NF1 (neurofibromin 1; plus strand). Cytogenetic location: 17q11.2.
Variant type: single nucleotide variant.
Coding change: c.5958A>G on transcript NM_001042492.3 (MANE Select); coding-DNA position 5958, A replaced by G.
Protein change: p.Lys1986=; no amino-acid change (lysine 1986 retained).
Molecular consequence: synonymous variant.
Genome position (GRCh38, 1-based): chr17:31,334,983, A>G. VCF-style: chr17-31334983-A-G. GRCh37 (hg19) VCF-style: chr17-29662001-A-G.
Other names: c.5895A>G, p.Lys1965= (NM_000267.4).
Identifiers: ClinVar variation 457772 (VCV000457772.24), dbSNP rs1216926117, ClinGen allele CA499233800.
Genomic context (GRCh38, chr17:31,334,983, plus strand): 5'-CAAACGACAAAGAGTTACTGCTATTCTTGACAAGCTGATAACAATGACCATCAATGAAAA[A>G]CAGATGTACCCATCTATTCAAGCAAAAATATGGGGAAGCCTTGGGCAGGTATTGAGTTTG-3'
Protein context (NP_001035957.1, residues 1976-1996): DKLITMTINE[Lys1986=]QMYPSIQAKI

ClinVar aggregate classification (germline): Benign/Likely benign. Review status: criteria provided, multiple submitters, no conflicts (2 of 4 stars). 8 submissions from 8 submitters: Benign (1); Likely benign (7). Last evaluated 2026-09-28.

Conditions:
Hereditary cancer-predisposing syndrome. Also called: Hereditary Cancer Syndrome; Hereditary neoplastic syndrome; Neoplastic Syndromes, Hereditary; Tumor predisposition. Identifiers: Orphanet 140162, MedGen C0027672, MeSH D009386, MONDO:0015356.
Cardiovascular phenotype. Identifiers: MedGen CN230736.
Neurofibromatosis, type 1 (NF1). Also called: VON RECKLINGHAUSEN DISEASE; NEUROFIBROMATOSIS, TYPE I, SOMATIC; Neurofibromatosis, type I; Peripheral type neurofibromatosis. Identifiers: Orphanet 636, MedGen C0027831, MONDO:0018975, OMIM 162200. Disease mechanism: loss of function.

Allele frequency attached by ClinVar (database versions not stated): gnomAD exomes 0.00001 and below 0.00001.
gnomAD v4.1: 6 of 1,613,494 alleles (0.00037%); highest among the groups gnomAD compares: South Asian, 0.0011%; no homozygotes.

Submissions (8):

Myriad Genetics, Inc.
Classification: Benign for Neurofibromatosis, type 1. Last evaluated: 2026-09-28. Review status: criteria provided, single submitter. Criteria: Myriad Autosomal Dominant, Autosomal Recessive and X-Linked Classification Criteria (2023). Collection method: clinical testing. Allele origin: unknown.
Comment: This variant is considered benign. This variant is a silent/synonymous amino acid change and it is not expected to impact splicing.

CeGaT Center for Human Genetics Tuebingen
Classification: Likely benign. Last evaluated: 2026-01-01. Review status: criteria provided, single submitter. Criteria: CeGaT Center For Human Genetics Tuebingen Variant Classification Criteria Version 2. Collection method: clinical testing. Allele origin: germline. Affected: yes. Observed: 1 variant allele.
Comment: NF1: BP4, BP7

Labcorp Genetics (formerly Invitae), Labcorp
Classification: Likely benign for Neurofibromatosis, type 1. Last evaluated: 2025-08-22. Review status: criteria provided, single submitter. Criteria: Invitae Variant Classification Sherloc (09022015). Collection method: clinical testing. Allele origin: germline.

Blueprint Genetics
Classification: Likely benign. Last evaluated: 2024-03-25. Review status: criteria provided, single submitter. Criteria: ACMG Guidelines, 2015. Collection method: clinical testing. Allele origin: germline.

Genome-Nilou Lab
Classification: Likely benign for Neurofibromatosis, type 1. Last evaluated: 2022-03-15. Review status: criteria provided, single submitter. Criteria: ACMG Guidelines, 2015. Collection method: clinical testing. Allele origin: germline. Affected: no.

GeneDx
Classification: Likely benign. Last evaluated: 2020-01-08. Review status: criteria provided, single submitter. Criteria: GeneDx Variant Classification Process June 2021. Collection method: clinical testing. Allele origin: germline. Affected: yes.
Comment: This variant is associated with the following publications: (PMID: 23758643, 23906300)

PreventionGenetics, part of Exact Sciences
Classification: Likely benign. Last evaluated: 2017-12-22. Review status: criteria provided, single submitter. Criteria: ACMG Guidelines, 2015. Collection method: clinical testing. Allele origin: germline.

Ambry Genetics
Classification: Likely benign for Cardiovascular phenotype; Hereditary cancer-predisposing syndrome. Last evaluated: 2016-06-28. Review status: criteria provided, single submitter. Criteria: Ambry Variant Classification Scheme 2023. Collection method: clinical testing. Allele origin: germline.